The following is an entry in ClinVar:

NM_016642.4(SPTBN5):c.9258C>T (p.Ala3086=)

Gene: SPTBN5 (spectrin beta, non-erythrocytic 5; minus strand). Cytogenetic location: 15q15.1.
Variant type: single nucleotide variant.
Coding change: c.9258C>T on transcript NM_016642.4 (MANE Select); coding-DNA position 9258, C replaced by T.
Protein change: p.Ala3086=; no amino-acid change (alanine 3086 retained).
Molecular consequence: synonymous variant.
Genome position (GRCh38, 1-based): chr15:41,855,389, G>A on the plus strand (C>T on the coding strand, the complement: SPTBN5 is on the minus strand). VCF-style: chr15-41855389-G-A. GRCh37 (hg19) VCF-style: chr15-42147587-G-A.
Identifiers: ClinVar variation 3033621 (VCV003033621.2), dbSNP rs377624749, ClinGen allele CA7501505.

ClinVar aggregate classification (germline): Likely benign (0 of 4 stars; one submission).

Conditions:
SPTBN5-related disorder. Also called: SPTBN5-related condition.

Allele frequency attached by ClinVar (database versions not stated): gnomAD exomes 0.00017; gnomAD 0.00023; ESP Exome Variant Server 0.00032; TOPMed 0.00014; ExAC 0.00016.
gnomAD v4.1: 284 of 1,604,506 alleles (0.018%); highest among the groups gnomAD compares: Non-Finnish European, 0.022%; 1 homozygote.

Submission:

PreventionGenetics, part of Exact Sciences
Classification: Likely benign for SPTBN5-related condition. Last evaluated: 2019-03-15. Review status: no assertion criteria provided. Collection method: clinical testing. Allele origin: germline.
Comment: This variant is classified as likely benign based on ACMG/AMP sequence variant interpretation guidelines (Richards et al. 2015 PMID: 25741868, with internal and published modifications).